The following is an entry in ClinVar:

NM_000532.5(PCCB):c.313G>A (p.Asp105Asn)

Gene: PCCB (propionyl-CoA carboxylase subunit beta; plus strand). Cytogenetic location: 3q22.3.
Variant type: single nucleotide variant.
Coding change: c.313G>A on transcript NM_000532.5 (MANE Select); coding-DNA position 313, G replaced by A.
Protein change: p.Asp105Asn; replaces aspartic acid 105 with asparagine.
Molecular consequence: missense variant.
Genome position (GRCh38, 1-based): chr3:136,256,564, G>A. VCF-style: chr3-136256564-G-A. GRCh37 (hg19) VCF-style: chr3-135975406-G-A.
Other names: c.313G>A, p.Asp105Asn (NM_001178014.2); short protein forms D105N.
Identifiers: ClinVar variation 4537291 (VCV004537291.1).

ClinVar aggregate classification (germline): Uncertain significance (1 of 4 stars; one submission).

Submission:

Women's Health and Genetics/Laboratory Corporation of America, LabCorp
Classification: Uncertain significance. Last evaluated: 2025-11-20. Review status: criteria provided, single submitter. Criteria: LabCorp Variant Classification Summary - May 2015. Collection method: clinical testing. Allele origin: germline.
Comment: Variant summary: PCCB c.313G>A (p.Asp105Asn) results in a conservative amino acid change in the encoded protein sequence. Algorithms developed to predict the effect of missense changes on protein structure and function are either unavailable or do not agree on the potential impact of this missense change. The variant allele was found at a frequency of 1.2e-05 in 251478 control chromosomes. c.313G>A has been reported in two individuals affected with Propionic Acidemia identified as part of a newborn screening program (Maier_2023, Reischl-Hajiabadi_2024). These data indicate that the variant may be associated with disease. To our knowledge, no experimental evidence demonstrating an impact on protein function has been reported. The following publications have been ascertained in the context of this evaluation (PMID: 37603033, 38563533). No submitters have cited clinical-significance assessments for this variant to ClinVar. Based on the evidence outlined above, the variant was classified as VUS-possibly pathogenic.

Literature cited by the submitters: PubMed 38563533; PubMed 37603033.